The following is an entry in ClinVar:

NM_000382.3(ALDH3A2):c.1372C>T (p.Arg458Trp)

Gene: ALDH3A2 (aldehyde dehydrogenase 3 family member A2; plus strand). Cytogenetic location: 17p11.2.
Variant type: single nucleotide variant.
Coding change: c.1372C>T on transcript NM_000382.3 (MANE Select); coding-DNA position 1372, C replaced by T.
Protein change: p.Arg458Trp; replaces arginine 458 with tryptophan.
Molecular consequence: missense variant. On other transcripts: intron variant (1).
Genome position (GRCh38, 1-based): chr17:19,671,885, C>T. VCF-style: chr17-19671885-C-T. GRCh37 (hg19) VCF-style: chr17-19575198-C-T.
Other names: p.Arg458Trp; c.1372C>T, p.Arg458Trp (NM_001031806.2, NM_001369136.1, NM_001369137.2 and 2 more transcripts); c.793C>T, p.Arg265Trp (NM_001369148.2); c.1208-3673C>T (NM_001369146.2); short protein forms R265W, R458W.
Identifiers: ClinVar variation 2153583 (VCV002153583.2), dbSNP rs753900462, ClinGen allele CA8443065.

ClinVar aggregate classification (germline): Uncertain significance. Review status: criteria provided, multiple submitters, no conflicts (2 of 4 stars). 2 submissions from 2 submitters: Uncertain significance (2). Last evaluated 2025-09-03.

Allele frequency attached by ClinVar (database versions not stated): ExAC 0.00001; TOPMed 0.00002; gnomAD exomes 0.00001.
gnomAD v4.1: 17 of 1,614,164 alleles (0.0011%); highest among the groups gnomAD compares: Non-Finnish European, 0.0014%; no homozygotes.

Submissions (2):

Mayo Clinic Laboratories, Mayo Clinic
Classification: Uncertain significance. Last evaluated: 2025-09-03. Review status: criteria provided, single submitter. Criteria: ACMG Guidelines, 2015. Collection method: clinical testing. Allele origin: germline. Observed: 1 variant allele.
Comment: PM2_supporting

Labcorp Genetics (formerly Invitae), Labcorp
Classification: Uncertain significance. Last evaluated: 2022-04-10. Review status: criteria provided, single submitter. Criteria: Invitae Variant Classification Sherloc (09022015). Collection method: clinical testing. Allele origin: germline.
Comment: This sequence change replaces arginine, which is basic and polar, with tryptophan, which is neutral and slightly polar, at codon 458 of the ALDH3A2 protein (p.Arg458Trp). This variant is present in population databases (rs753900462, gnomAD 0.002%). This variant has not been reported in the literature in individuals affected with ALDH3A2-related conditions. Advanced modeling of protein sequence and biophysical properties (such as structural, functional, and spatial information, amino acid conservation, physicochemical variation, residue mobility, and thermodynamic stability) performed at Invitae indicates that this missense variant is not expected to disrupt ALDH3A2 protein function. Algorithms developed to predict the effect of sequence changes on RNA splicing suggest that this variant may disrupt the consensus splice site. In summary, the available evidence is currently insufficient to determine the role of this variant in disease. Therefore, it has been classified as a Variant of Uncertain Significance.